The following is an entry in ClinVar:

NM_001283009.2(RTEL1):c.3524G>T (p.Gly1175Val)

Genes: RTEL1 (regulator of telomere elongation helicase 1; plus strand), RTEL1-TNFRSF6B (RTEL1-TNFRSF6B readthrough (NMD candidate); plus strand). Cytogenetic location: 20q13.33.
Variant type: single nucleotide variant.
Coding change: c.3524G>T on transcript NM_001283009.2 (MANE Select); coding-DNA position 3524, G replaced by T.
Protein change: p.Gly1175Val; replaces glycine 1175 with valine.
Molecular consequence: missense variant. On other transcripts: non-coding transcript variant (1).
Genome position (GRCh38, 1-based): chr20:63,695,352, G>T. VCF-style: chr20-63695352-G-T. GRCh37 (hg19) VCF-style: chr20-62326705-G-T.
Other names: c.2855G>T, p.Gly952Val (NM_001283010.1); c.3524G>T, p.Gly1175Val (NM_016434.4); c.3596G>T, p.Gly1199Val (NM_032957.5); short protein forms G1175V, G1199V, G952V.
Identifiers: ClinVar variation 5028531 (VCV005028531.1).
Genomic context (GRCh38, chr20:63,695,352, plus strand): 5'-CCCAGGCCCCCCTCAGACTCAAGTCTCTGTCTCCAGGCCCCTCACGGTCCGAGAAGACCG[G>T]GAAGACCCAGAGCAAGATCTCGTCCTTCCTTAGACAGAGGCCAGCAGGGACTGTGGGGGC-3'
Protein context (NP_001269938.1, residues 1165-1185): QPGPSRSEKT[Gly1175Val]KTQSKISSFL

ClinVar aggregate classification (germline): Uncertain significance (1 of 4 stars; one submission).

Conditions:
Inborn genetic diseases. Identifiers: MedGen C0950123, MeSH D030342.

gnomAD v4.1: 6 of 1,550,782 alleles (0.00039%); highest among the groups gnomAD compares: South Asian, 0.0074%; no homozygotes.

Submission:

Ambry Genetics
Classification: Uncertain significance for Inborn genetic diseases. Last evaluated: 2026-08-31. Review status: criteria provided, single submitter. Criteria: Ambry Variant Classification Scheme 2023. Collection method: clinical testing. Allele origin: germline.
Comment: The p.G1175V variant (also known as c.3524G>T), located in coding exon 33 of the RTEL1 gene, results from a G to T substitution at nucleotide position 3524. The glycine at codon 1175 is replaced by valine, an amino acid with dissimilar properties. This amino acid position is conserved. In addition, this alteration is predicted to be tolerated by in silico analysis. Based on the available evidence, the clinical significance of this variant remains unclear.